The following is an entry in ClinVar:

ClinVar aggregate classification (germline): Conflicting classifications of pathogenicity. Review status: criteria provided, conflicting classifications (1 of 4 stars). 6 submissions from 2 submitters: Uncertain significance (3); Benign (2); Likely benign (1). Last evaluated 2026-01-26.

Conditions:
Autosomal recessive limb-girdle muscular dystrophy type 2J (LGMDR10). Also called: Limb-girdle muscular dystrophy, type 2J; MUSCULAR DYSTROPHY, LIMB-GIRDLE, AUTOSOMAL RECESSIVE 10. Identifiers: Orphanet 140922, MedGen C1837342, MONDO:0012127, OMIM 608807.
Dilated cardiomyopathy 1G (CMD1G). Identifiers: Orphanet 154, MedGen C1858763, MONDO:0011400, OMIM 604145.
Early-onset myopathy with fatal cardiomyopathy (CMYO5). Also called: CONGENITAL MYOPATHY 5 WITH CARDIOMYOPATHY; Salih Myopathy. Identifiers: Orphanet 289377, MedGen C2673677, MONDO:0012714, OMIM 611705. Disease mechanism: loss of function.
Myopathy, myofibrillar, 9, with early respiratory failure (MFM9). Also called: EDSTROM MYOPATHY; MYOPATHY, PROXIMAL, WITH EARLY RESPIRATORY MUSCLE INVOLVEMENT; Myopathy, distal, with early respiratory failure, autosomal dominant; Hereditary myopathy with early respiratory failure. Identifiers: Orphanet 178464, Orphanet 34521, MedGen C1863599, MONDO:0011362, OMIM 603689.
Tibial muscular dystrophy (TMD). Also called: Tibial muscular dystrophy, tardive; UDD MYOPATHY; Udd Distal Myopathy – Tibial Muscular Dystrophy. Identifiers: Orphanet 609, MedGen C1838244, MONDO:0010870, OMIM 600334.

Allele frequency attached by ClinVar (database versions not stated): gnomAD below 0.00001 and 0.00002; gnomAD exomes 0.00004 and 0.00010; ExAC 0.00011.
gnomAD v4.1: 58 of 1,586,350 alleles (0.0037%); highest among the groups gnomAD compares: South Asian, 0.066%; 1 homozygote.

Submissions (6):

Labcorp Genetics (formerly Invitae), Labcorp
Classification: Likely benign for Dilated cardiomyopathy 1G; Autosomal recessive limb-girdle muscular dystrophy type 2J. Last evaluated: 2026-01-26. Review status: criteria provided, single submitter. Criteria: Invitae Variant Classification Sherloc (09022015). Collection method: clinical testing. Allele origin: germline.

Illumina Laboratory Services, Illumina
Classification: Uncertain significance for Early-onset myopathy with fatal cardiomyopathy. Last evaluated: 2018-01-13. Review status: criteria provided, single submitter. Criteria: ICSL Variant Classification Criteria 13 December 2019. Collection method: clinical testing. Allele origin: germline.

Illumina Laboratory Services, Illumina
Classification: Uncertain significance for Autosomal recessive limb-girdle muscular dystrophy type 2J. Last evaluated: 2018-01-13. Review status: criteria provided, single submitter. Criteria: ICSL Variant Classification Criteria 13 December 2019. Collection method: clinical testing. Allele origin: germline.

Illumina Laboratory Services, Illumina
Classification: Benign for Myopathy, myofibrillar, 9, with early respiratory failure. Last evaluated: 2018-01-13. Review status: criteria provided, single submitter. Criteria: ICSL Variant Classification Criteria 13 December 2019. Collection method: clinical testing. Allele origin: germline.
Comment: This variant was observed in the ICSL laboratory as part of a predisposition screen in an ostensibly healthy population. It had not been previously curated by ICSL or reported in the Human Gene Mutation Database (HGMD: prior to June 1st, 2018), and was therefore a candidate for classification through an automated scoring system. Utilizing variant allele frequency, disease prevalence and penetrance estimates, and inheritance mode, an automated score was calculated to assess if this variant is too frequent to cause the disease. Based on the score and internal cut-off values, a variant classified as benign is not then subjected to further curation. The score for this variant resulted in a classification of benign for this disease.

Illumina Laboratory Services, Illumina
Classification: Uncertain significance for Dilated cardiomyopathy 1G. Last evaluated: 2018-01-13. Review status: criteria provided, single submitter. Criteria: ICSL Variant Classification Criteria 13 December 2019. Collection method: clinical testing. Allele origin: germline.

Illumina Laboratory Services, Illumina
Classification: Benign for Tibial muscular dystrophy. Last evaluated: 2018-01-13. Review status: criteria provided, single submitter. Criteria: ICSL Variant Classification Criteria 13 December 2019. Collection method: clinical testing. Allele origin: germline.
Comment: the same text as in the submission from Illumina Laboratory Services, Illumina above.

NM_001267550.2(TTN):c.55432+10A>G

Genes: TTN-AS1 (TTN antisense RNA 1; plus strand), TTN (titin; minus strand). Cytogenetic location: 2q31.2.
Variant type: single nucleotide variant.
Coding change: c.55432+10A>G on transcript NM_001267550.2 (MANE Select); 10 bases into the intron after coding-DNA position 55432, A replaced by G.
Molecular consequence: intron variant.
Genome position (GRCh38, 1-based): chr2:178,601,648, T>C on the plus strand (A>G on the coding strand, the complement: TTN is on the minus strand). VCF-style: chr2-178601648-T-C. GRCh37 (hg19) VCF-style: chr2-179466375-T-C.
Other names: c.28237+10A>G (NM_003319.4); c.28813+10A>G (NM_133437.4); c.28612+10A>G (NM_133432.3); c.47728+10A>G (NM_133378.4); c.50509+10A>G (NM_001256850.1).
Identifiers: ClinVar variation 894202 (VCV000894202.8), dbSNP rs751062759, ClinGen allele CA1993456.
Genomic context (GRCh38, chr2:178,601,648, plus strand): 5'-AAGCAACGTTCCTTAAATGCTTAAAAATAATTTGTTTTTATTCTGTAGCAACTTTCAAAG[T>C]CTTTCTTACCCATGACTTTAACTCTGCAATTTGCAGTCTTTTGTCCTGCTTTATTCTTGG-3'